The following is an entry in ClinVar:

ClinVar aggregate classification (germline): Pathogenic (1 of 4 stars; one submission).

Conditions:
Familial thoracic aortic aneurysm and aortic dissection (TAAD). Also called: Thoracic aortic aneurysms and dissections. Identifiers: Orphanet 91387, MedGen C4707243, MONDO:0019625.

Submission:

Labcorp Genetics (formerly Invitae), Labcorp
Classification: Pathogenic for Familial thoracic aortic aneurysm and aortic dissection. Last evaluated: 2025-10-21. Review status: criteria provided, single submitter. Criteria: Invitae Variant Classification Sherloc (09022015). Collection method: clinical testing. Allele origin: germline.
Comment: This sequence change creates a premature translational stop signal (p.Leu278Phefs*7) in the TGFBR1 gene. It is expected to result in an absent or disrupted protein product. Loss-of-function variants in TGFBR1 are known to be pathogenic (PMID: 21358634). This variant is not present in population databases (gnomAD no frequency). This variant has not been reported in the literature in individuals affected with TGFBR1-related conditions. ClinVar contains an entry for this variant (Variation ID: 955354). For these reasons, this variant has been classified as Pathogenic.

Literature cited by the submitters: PubMed 21358634.

NM_004612.4(TGFBR1):c.833dup (p.Leu278fs)

Gene: TGFBR1 (transforming growth factor beta receptor 1; plus strand). Cytogenetic location: 9q22.33.
Variant type: Duplication.
Coding change: c.833dup on transcript NM_004612.4 (MANE Select); coding-DNA position 833, one base duplicated (T; older notation c.833dupT).
Protein change: p.Leu278fs; shifts the reading frame from leucine 278.
Molecular consequence: frameshift variant.
Genome position (GRCh38, 1-based): chr9:99,142,563, T duplicated; the last of 2 consecutive T bases (chr9:99,142,562-99,142,563); duplicating either gives the same sequence. VCF-style (leftmost placement, unchanged base first): chr9-99142561-G-GT. GRCh37 (hg19) VCF-style: chr9-101904843-G-GT.
Other names: c.602dup, p.Leu201fs (NM_001130916.3); c.845dup, p.Leu282fs (NM_001306210.2); short protein forms L201fs, L278fs, L282fs.
Identifiers: ClinVar variation 955354 (VCV000955354.8), dbSNP rs1827647395, ClinGen allele CA1139661072.